The following is an entry in ClinVar:

NM_015450.3(POT1):c.1375A>G (p.Thr459Ala)

Gene: POT1 (protection of telomeres 1; minus strand). Cytogenetic location: 7q31.33.
Variant type: single nucleotide variant.
Coding change: c.1375A>G on transcript NM_015450.3 (MANE Select); coding-DNA position 1375, A replaced by G.
Protein change: p.Thr459Ala; replaces threonine 459 with alanine.
Molecular consequence: missense variant. On other transcripts: non-coding transcript variant (3).
Genome position (GRCh38, 1-based): chr7:124,835,409, T>C on the plus strand (A>G on the coding strand, the complement: POT1 is on the minus strand). VCF-style: chr7-124835409-T-C. GRCh37 (hg19) VCF-style: chr7-124475463-T-C.
Other names: c.982A>G, p.Thr328Ala (NM_001042594.2); short protein forms T328A, T459A.
Identifiers: ClinVar variation 4746052 (VCV004746052.1).

ClinVar aggregate classification (germline): Uncertain significance (1 of 4 stars; one submission).

Conditions:
Tumor predisposition syndrome 3 (TPDS3). Also called: Melanoma, cutaneous malignant, susceptibility to, 10; Glioma susceptibility 9; LONG TELOMERE SYNDROME, POT1-RELATED; POT1 Tumor Predisposition. Identifiers: Orphanet 618, MedGen C4014476, MONDO:0014368, OMIM 615848.

gnomAD v4.1: 1 of 1,610,752 alleles (0.000062%); highest among the groups gnomAD compares: Non-Finnish European, 0.000085%; no homozygotes.

Submission:

Labcorp Genetics (formerly Invitae), Labcorp
Classification: Uncertain significance for Tumor predisposition syndrome 3. Last evaluated: 2025-05-21. Review status: criteria provided, single submitter. Criteria: Invitae Variant Classification Sherloc (09022015). Collection method: clinical testing. Allele origin: germline.
Comment: This sequence change replaces threonine, which is neutral and polar, with alanine, which is neutral and non-polar, at codon 459 of the POT1 protein (p.Thr459Ala). This variant is not present in population databases (gnomAD no frequency). This variant has not been reported in the literature in individuals affected with POT1-related conditions. Invitae Evidence Modeling of protein sequence and biophysical properties (such as structural, functional, and spatial information, amino acid conservation, physicochemical variation, residue mobility, and thermodynamic stability) indicates that this missense variant is not expected to disrupt POT1 protein function with a negative predictive value of 80%. In summary, the available evidence is currently insufficient to determine the role of this variant in disease. Therefore, it has been classified as a Variant of Uncertain Significance.